The following is an entry in ClinVar:

NM_000369.5(TSHR):c.1997T>C (p.Phe666Ser)

Genes: TSHR (thyroid stimulating hormone receptor; plus strand), TSHR-AS1 (TSHR antisense RNA 1; minus strand). Cytogenetic location: 14q31.1.
Variant type: single nucleotide variant.
Coding change: c.1997T>C on transcript NM_000369.5 (MANE Select); coding-DNA position 1997, T replaced by C.
Protein change: p.Phe666Ser; replaces phenylalanine 666 with serine.
Molecular consequence: missense variant.
Genome position (GRCh38, 1-based): chr14:81,144,055, T>C. VCF-style: chr14-81144055-T-C. GRCh37 (hg19) VCF-style: chr14-81610399-T-C.
Other names: short protein forms F666S.
Identifiers: ClinVar variation 1202702 (VCV001202702.3), dbSNP rs2140113502, ClinGen allele CA390729070.

ClinVar aggregate classification (germline): Uncertain significance (1 of 4 stars; one submission).

Submission:

GeneDx
Classification: Uncertain significance. Last evaluated: 2019-09-17. Review status: criteria provided, single submitter. Criteria: GeneDx Variant Classification Process June 2021. Collection method: clinical testing. Allele origin: germline. Affected: yes.
Comment: Not observed in large population cohorts (Lek et al., 2016); In silico analysis, which includes protein predictors and evolutionary conservation, supports a deleterious effect; Has not been previously published as pathogenic or benign to our knowledge